The following is an entry in ClinVar:

NM_001128148.3(TFRC):c.1615A>G (p.Asn539Asp)

Gene: TFRC (transferrin receptor; minus strand). Cytogenetic location: 3q29.
Variant type: single nucleotide variant.
Coding change: c.1615A>G on transcript NM_001128148.3 (MANE Select); coding-DNA position 1615, A replaced by G.
Protein change: p.Asn539Asp; replaces asparagine 539 with aspartic acid.
Molecular consequence: missense variant.
Genome position (GRCh38, 1-based): chr3:196,058,346, T>C on the plus strand (A>G on the coding strand, the complement: TFRC is on the minus strand). VCF-style: chr3-196058346-T-C. GRCh37 (hg19) VCF-style: chr3-195785217-T-C.
Other names: c.1372A>G, p.Asn458Asp (NM_001313965.2); c.769A>G, p.Asn257Asp (NM_001313966.2); c.1615A>G, p.Asn539Asp (NM_003234.4); short protein forms N458D, N257D, N539D.
Identifiers: ClinVar variation 3176574 (VCV003176574.3), dbSNP rs1428775495, ClinGen allele CA355566379.

ClinVar aggregate classification (germline): Uncertain significance. Review status: criteria provided, multiple submitters, no conflicts (2 of 4 stars). 2 submissions from 2 submitters: Uncertain significance (2). Last evaluated 2024-09-30.

Conditions:
Inborn genetic diseases. Identifiers: MedGen C0950123, MeSH D030342.

Allele frequency attached by ClinVar (database versions not stated): TOPMed below 0.00001; gnomAD 0.00001; gnomAD exomes 0.00001.
gnomAD v4.1: 8 of 1,613,832 alleles (0.0005%); highest among the groups gnomAD compares: Admixed American, 0.0033%; no homozygotes.

Submissions (2):

Labcorp Genetics (formerly Invitae), Labcorp
Classification: Uncertain significance. Last evaluated: 2024-09-30. Review status: criteria provided, single submitter. Criteria: Invitae Variant Classification Sherloc (09022015). Collection method: clinical testing. Allele origin: germline.
Comment: This sequence change replaces asparagine, which is neutral and polar, with aspartic acid, which is acidic and polar, at codon 539 of the TFRC protein (p.Asn539Asp). The frequency data for this variant in the population databases is considered unreliable, as metrics indicate poor data quality at this position in the gnomAD database. This variant has not been reported in the literature in individuals affected with TFRC-related conditions. Invitae Evidence Modeling of protein sequence and biophysical properties (such as structural, functional, and spatial information, amino acid conservation, physicochemical variation, residue mobility, and thermodynamic stability) indicates that this missense variant is not expected to disrupt TFRC protein function with a negative predictive value of 80%. In summary, the available evidence is currently insufficient to determine the role of this variant in disease. Therefore, it has been classified as a Variant of Uncertain Significance.

Ambry Genetics
Classification: Uncertain significance for Inborn genetic diseases. Last evaluated: 2024-02-21. Review status: criteria provided, single submitter. Criteria: Ambry Variant Classification Scheme 2023. Collection method: clinical testing. Allele origin: germline.